The following is an entry in ClinVar:

NM_002834.5(PTPN11):c.899C>T (p.Pro300Leu)

Gene: PTPN11 (protein tyrosine phosphatase non-receptor type 11; plus strand). Cytogenetic location: 12q24.13.
Variant type: single nucleotide variant.
Coding change: c.899C>T on transcript NM_002834.5 (MANE Select); coding-DNA position 899, C replaced by T.
Protein change: p.Pro300Leu; replaces proline 300 with leucine.
Molecular consequence: missense variant.
Genome position (GRCh38, 1-based): chr12:112,477,696, C>T. VCF-style: chr12-112477696-C-T. GRCh37 (hg19) VCF-style: chr12-112915500-C-T.
Other names: c.899C>T, p.Pro300Leu (NM_001330437.2, NM_080601.3); c.896C>T, p.Pro299Leu (NM_001374625.1); short protein forms P299L, P300L.
Identifiers: ClinVar variation 3372506 (VCV003372506.1).
Genomic context (GRCh38, chr12:112,477,696, plus strand): 5'-CTCTTTTTCTTCTAGTTGATCATACCAGGGTTGTCCTACACGATGGTGATCCCAATGAGC[C>T]TGTTTCAGATTACATCAATGCAAATATCATCATGGTAAGCTTTGCTTTTCACAGTGTTTT-3'
Protein context (NP_002825.3, residues 290-310): VVLHDGDPNE[Pro300Leu]VSDYINANII

ClinVar aggregate classification (germline): Uncertain significance (1 of 4 stars; one submission).

Submission:

GeneDx
Classification: Uncertain significance. Last evaluated: 2024-04-15. Review status: criteria provided, single submitter. Criteria: GeneDx Variant Classification Process June 2021. Collection method: clinical testing. Allele origin: germline. Affected: yes.
Comment: Not observed at significant frequency in large population cohorts (gnomAD); Missense variants in this gene are a common cause of disease and they are underrepresented in the general population; In silico analysis supports that this missense variant has a deleterious effect on protein structure/function; Has not been previously published as pathogenic or benign to our knowledge; This variant is associated with the following publications: (PMID: 29493581)